The following is an entry in ClinVar:

NM_005534.4(IFNGR2):c.958G>C (p.Val320Leu)

Genes: IFNGR2 (interferon gamma receptor 2; plus strand), TMEM50B (transmembrane protein 50B; minus strand). Cytogenetic location: 21q22.11.
Variant type: single nucleotide variant.
Coding change: c.958G>C on transcript NM_005534.4 (MANE Select); coding-DNA position 958, G replaced by C.
Protein change: p.Val320Leu; replaces valine 320 with leucine.
Molecular consequence: missense variant.
Genome position (GRCh38, 1-based): chr21:33,436,906, G>C. VCF-style: chr21-33436906-G-C. GRCh37 (hg19) VCF-style: chr21-34809213-G-C.
Other names: c.1015G>C, p.Val339Leu (NM_001329128.2); short protein forms V320L, V339L.
Identifiers: ClinVar variation 2420393 (VCV002420393.6), dbSNP rs186465465, ClinGen allele CA10007083.

ClinVar aggregate classification (germline): Uncertain significance. Review status: criteria provided, multiple submitters, no conflicts (2 of 4 stars). 2 submissions from 2 submitters: Uncertain significance (2). Last evaluated 2024-11-10.

Conditions:
Inborn genetic diseases. Identifiers: MedGen C0950123, MeSH D030342.
Immunodeficiency 28 (IMD28). Also called: IFNGR2 DEFICIENCY. Identifiers: Orphanet 319547, Orphanet 319574, MedGen C4013947, MONDO:0013953, OMIM 614889.

Allele frequency attached by ClinVar (database versions not stated): gnomAD 0.00001; ExAC 0.00002; TOPMed 0.00003; 1000 Genomes Project 0.00020; 1000 Genomes Project 30x 0.00031.
gnomAD v4.1: 6 of 1,614,028 alleles (0.00037%); highest among the groups gnomAD compares: Admixed American, 0.0033%; no homozygotes.

Submissions (2):

Ambry Genetics
Classification: Uncertain significance for Inborn genetic diseases. Last evaluated: 2024-11-10. Review status: criteria provided, single submitter. Criteria: Ambry Variant Classification Scheme 2023. Collection method: clinical testing. Allele origin: germline.

Labcorp Genetics (formerly Invitae), Labcorp
Classification: Uncertain significance for Immunodeficiency 28. Last evaluated: 2022-12-06. Review status: criteria provided, single submitter. Criteria: Invitae Variant Classification Sherloc (09022015). Collection method: clinical testing. Allele origin: germline.
Comment: In summary, the available evidence is currently insufficient to determine the role of this variant in disease. Therefore, it has been classified as a Variant of Uncertain Significance. Algorithms developed to predict the effect of missense changes on protein structure and function output the following: SIFT: "Tolerated"; PolyPhen-2: "Benign"; Align-GVGD: "Class C0". The leucine amino acid residue is found in multiple mammalian species, which suggests that this missense change does not adversely affect protein function. This variant has not been reported in the literature in individuals affected with IFNGR2-related conditions. This variant is present in population databases (rs186465465, gnomAD 0.003%). This sequence change replaces valine, which is neutral and non-polar, with leucine, which is neutral and non-polar, at codon 320 of the IFNGR2 protein (p.Val320Leu).